The following is an entry in ClinVar:

ClinVar aggregate classification (germline): Uncertain significance (1 of 4 stars; one submission).

Conditions:
Familial adenomatous polyposis 1 (FAP1). Also called: FAMILIAL ADENOMATOUS POLYPOSIS 1, ATTENUATED; POLYPOSIS, ADENOMATOUS INTESTINAL. Identifiers: MedGen C2713442, MONDO:0021056, OMIM 175100. Disease mechanism: loss of function.

Allele frequency attached by ClinVar (database versions not stated): gnomAD 0.00001; TOPMed 0.00001.

Submission:

Labcorp Genetics (formerly Invitae), Labcorp
Classification: Uncertain significance for Familial adenomatous polyposis 1. Last evaluated: 2024-07-18. Review status: criteria provided, single submitter. Criteria: Invitae Variant Classification Sherloc (09022015). Collection method: clinical testing. Allele origin: germline.
Comment: This variant occurs in a non-coding region of the APC gene. It does not change the encoded amino acid sequence of the APC protein. This variant is not present in population databases (gnomAD no frequency). This variant has not been reported in the literature in individuals affected with APC-related conditions. Experimental studies and prediction algorithms are not available or were not evaluated, and the functional significance of this variant is currently unknown. In summary, the available evidence is currently insufficient to determine the role of this variant in disease. Therefore, it has been classified as a Variant of Uncertain Significance.

NC_000005.10:g.112707340A>G

Gene: APC (APC regulator of Wnt signaling pathway; plus strand). Cytogenetic location: 5q22.2.
Variant type: single nucleotide variant.
Genome position: GRCh38 VCF-style: chr5-112707340-A-G. GRCh37 (hg19) VCF-style: chr5-112043037-A-G.
Identifiers: ClinVar variation 1011121 (VCV001011121.8), dbSNP rs1469439532, ClinGen allele CA802056789.
Genomic context (GRCh38, chr5:112,707,340, plus strand): 5'-ACTAGTGTGTGCAGAAGGATCTATTAACTGGGCTGCAGCACAATTCAGAGAAGGCCAGTA[A>G]GTGCTGCAACTGAGACTCGGCTGCCTAGGCAGCAATGGCTCACGGGACAGAACAGCGAAG-3'